The following is an entry in ClinVar:

ClinVar aggregate classification (germline): Uncertain significance (1 of 4 stars; one submission).

Conditions:
RFT1-congenital disorder of glycosylation (CDG1N). Also called: RFT1-CDG; CDG In; Congenital disorder of glycosylation type In. Identifiers: Orphanet 244310, MedGen C2677590, MONDO:0012783, OMIM 612015.

Allele frequency attached by ClinVar (database versions not stated): TOPMed below 0.00001; gnomAD 0.00001.
gnomAD v4.1: 1 of 1,612,236 alleles (0.000062%); highest among the groups gnomAD compares: African/African-American, 0.0013%; no homozygotes.

Submission:

Labcorp Genetics (formerly Invitae), Labcorp
Classification: Uncertain significance for RFT1-congenital disorder of glycosylation. Last evaluated: 2024-10-16. Review status: criteria provided, single submitter. Criteria: Invitae Variant Classification Sherloc (09022015). Collection method: clinical testing. Allele origin: germline.
Comment: This sequence change replaces alanine, which is neutral and non-polar, with threonine, which is neutral and polar, at codon 155 of the RFT1 protein (p.Ala155Thr). This variant is present in population databases (no rsID available, gnomAD 0.01%). This variant has not been reported in the literature in individuals affected with RFT1-related conditions. ClinVar contains an entry for this variant (Variation ID: 1713422). Invitae Evidence Modeling of protein sequence and biophysical properties (such as structural, functional, and spatial information, amino acid conservation, physicochemical variation, residue mobility, and thermodynamic stability) has been performed for this missense variant. However, the output from this modeling did not meet the statistical confidence thresholds required to predict the impact of this variant on RFT1 protein function. In summary, the available evidence is currently insufficient to determine the role of this variant in disease. Therefore, it has been classified as a Variant of Uncertain Significance.

NM_052859.4(RFT1):c.463G>A (p.Ala155Thr)

Gene: RFT1 (RFT1 glycolipid translocator homolog; minus strand). Cytogenetic location: 3p21.1.
Variant type: single nucleotide variant.
Coding change: c.463G>A on transcript NM_052859.4 (MANE Select); coding-DNA position 463, G replaced by A.
Protein change: p.Ala155Thr; replaces alanine 155 with threonine.
Molecular consequence: missense variant.
Genome position (GRCh38, 1-based): chr3:53,121,794, C>T on the plus strand (G>A on the coding strand, the complement: RFT1 is on the minus strand). VCF-style: chr3-53121794-C-T. GRCh37 (hg19) VCF-style: chr3-53155810-C-T.
Other names: short protein forms A155T.
Identifiers: ClinVar variation 1713422 (VCV001713422.5), dbSNP rs1297637769, ClinGen allele CA353221446.